The following is an entry in ClinVar:

ClinVar aggregate classification (germline): Pathogenic. Review status: reviewed by expert panel (3 of 4 stars). 4 submissions from 4 submitters: Pathogenic (1). 3 of the submissions do not count toward it. Last evaluated 2019-08-01.

Conditions:
Hereditary thrombocytopenia and hematological cancer predisposition syndrome associated with RUNX1. Also called: Familial Platelet Disorder with Propensity to Acute Myelogenous Leukemia; PLATELET DISORDER, ASPIRIN-LIKE; RUNX1 Familial Platelet Disorder with Associated Myeloid Malignancies; Familial thrombocytopenia with propensity to acute myelogenous leukemia. Identifiers: Orphanet 71290, MedGen C1832388, MeSH C563324, MONDO:0100083, OMIM 601399.

Submissions (4):

ClinGen Myeloid Malignancy Variant Curation Expert Panel
Classification: Pathogenic for Familial platelet disorder with associated myeloid malignancy. Last evaluated: 2019-08-01. Review status: reviewed by expert panel. Criteria: ClinGen MyeloMalig ACMG Specifications v1. Collection method: curation. Allele origin: germline. Inheritance: Autosomal dominant inheritance.
Comment: The NM_001754.4:c.352-1G>T variant is a canonical splice site variant that is predicted to introduce a frameshift and a premature stop codon and expected to result in nonsense-mediated mRNA decay (PVS1; PMID: 10508512). This variant was found to co-segregate with disease in multiple affected family members, with more than seven meioses (at least 25 affected individuals) observed in one family/across X families (PP1_Strong; 10508512). This variant is completely absent from all population databases with at least 20x coverage for RUNX1 (PM2). This variant has been reported in one proband meeting at least one of the RUNX1-phenotypic criteria (PS4_ Supporting; PMID: 11830488). In summary, this variant meets criteria to be classified as pathogenic. ACMG/AMP criteria applied, as specified by the Myeloid Malignancy Variant Curation Expert Panel for RUNX1: PVS1, PP1_Strong, PM2, PS4_Supporting.

Labcorp Genetics (formerly Invitae), Labcorp
Classification: Pathogenic for Hereditary thrombocytopenia and hematological cancer predisposition syndrome associated with RUNX1. Last evaluated: 2022-04-21. Review status: criteria provided, single submitter. Criteria: Invitae Variant Classification Sherloc (09022015). Collection method: clinical testing. Allele origin: germline. Not counted in ClinVar's aggregate classification.
Comment: Disruption of this splice site has been observed in individual(s) with familial thrombocytopenia (PMID: 10508512). It has also been observed to segregate with disease in related individuals. ClinVar contains an entry for this variant (Variation ID: 14463). Studies have shown that disruption of this splice site is associated with altered splicing resulting in unknown protein product impact (PMID: 10508512). For these reasons, this variant has been classified as Pathogenic. This variant is not present in population databases (gnomAD no frequency). This sequence change affects an acceptor splice site in intron 4 of the RUNX1 gene. It is expected to disrupt RNA splicing. Variants that disrupt the donor or acceptor splice site typically lead to a loss of protein function (PMID: 16199547), and loss-of-function variants in RUNX1 are known to be pathogenic (PMID: 18723428, 24100448).

PreventionGenetics, part of Exact Sciences
Classification: Pathogenic. Last evaluated: 2016-03-05. Review status: criteria provided, single submitter. Criteria: ACMG Guidelines, 2015. Collection method: clinical testing. Allele origin: germline. Not counted in ClinVar's aggregate classification.

OMIM
Classification: Pathogenic for PLATELET DISORDER, FAMILIAL, WITH ASSOCIATED MYELOID MALIGNANCY. Last evaluated: 1999-10-01. Review status: no assertion criteria provided. Collection method: literature only. Allele origin: germline. Not counted in ClinVar's aggregate classification.

Literature cited by the submitters: PubMed 10508512 (cited by Labcorp Genetics (formerly Invitae), Labcorp and OMIM); PubMed 16199547 (cited by Labcorp Genetics (formerly Invitae), Labcorp); PubMed 18723428 (cited by Labcorp Genetics (formerly Invitae), Labcorp); PubMed 24100448 (cited by Labcorp Genetics (formerly Invitae), Labcorp).

NM_001754.4(RUNX1):c.352-1G>T

Genes: RUNX1 (RUNX family transcription factor 1; minus strand), RUNX1-AS1 (RUNX1 antisense RNA 1; plus strand). Cytogenetic location: 21q22.12.
Variant type: single nucleotide variant.
Coding change: c.352-1G>T on transcript NM_001754.4; the canonical splice acceptor site of the intron before coding-DNA position 352, G replaced by T.
Molecular consequence: splice acceptor variant (on NM_001754.5).
Genome position (GRCh38, 1-based): chr21:34,880,714, C>A on the plus strand (G>T on the coding strand, the complement: RUNX1 is on the minus strand). VCF-style: chr21-34880714-C-A. GRCh37 (hg19) VCF-style: chr21-36253011-C-A.
Other names: IVS3AS, G-T, -1; c.352-1G>T (NM_001754.5); c.271-1G>T (NM_001001890.3, NM_001122607.2).
Identifiers: ClinVar variation 14463 (VCV000014463.7), dbSNP rs587776809, ClinGen allele CA248609.